The following is an entry in ClinVar:

NM_003072.5(SMARCA4):c.1246-3C>T

Gene: SMARCA4 (SWI/SNF related BAF chromatin remodeling complex subunit ATPase 4; plus strand). Cytogenetic location: 19p13.2.
Variant type: single nucleotide variant.
Coding change: c.1246-3C>T on transcript NM_003072.5 (MANE Select); 3 bases into the intron before coding-DNA position 1246, C replaced by T.
Molecular consequence: intron variant.
Genome position (GRCh38, 1-based): chr19:10,991,147, C>T. VCF-style: chr19-10991147-C-T. GRCh37 (hg19) VCF-style: chr19-11101823-C-T.
Other names: c.1246-3C>T (NM_001128844.3, NM_001128849.3, NM_001128847.4 and 7 more transcripts).
Identifiers: ClinVar variation 2823884 (VCV002823884.4), dbSNP rs2145877687, ClinGen allele CA2582456021.

ClinVar aggregate classification (germline): Uncertain significance. Review status: criteria provided, multiple submitters, no conflicts (2 of 4 stars). 2 submissions from 2 submitters: Uncertain significance (2). Last evaluated 2025-05-23.

Conditions:
Hereditary cancer-predisposing syndrome. Also called: Neoplastic Syndromes, Hereditary; Hereditary neoplastic syndrome; Tumor predisposition; Hereditary Cancer Syndrome. Identifiers: Orphanet 140162, MedGen C0027672, MeSH D009386, MONDO:0015356.
Rhabdoid tumor predisposition syndrome 2 (RTPS2). Identifiers: Orphanet 231108, Orphanet 69077, MedGen C2750074, MONDO:0013224, OMIM 613325.

Allele frequency attached by ClinVar (database versions not stated): gnomAD exomes below 0.00001.
gnomAD v4.1: 2 of 1,613,318 alleles (0.00012%); highest among the groups gnomAD compares: Non-Finnish European, 0.00017%; no homozygotes.

Submissions (2):

Ambry Genetics
Classification: Uncertain significance for Hereditary cancer-predisposing syndrome. Last evaluated: 2025-05-23. Review status: criteria provided, single submitter. Criteria: Ambry Variant Classification Scheme 2023. Collection method: clinical testing. Allele origin: germline.
Comment: The c.1246-3C>T intronic variant results from a C to T substitution 3 nucleotides upstream from coding exon 7 in the SMARCA4 gene. This variant was reported in individual(s) with features consistent with Rhabdoid tumor predisposition syndrome (Ambry internal data). This nucleotide position is poorly conserved in available vertebrate species. In silico splice site analysis predicts that this alteration will not have any significant effect on splicing. Based on the available evidence, the clinical significance of this variant remains unclear.

Labcorp Genetics (formerly Invitae), Labcorp
Classification: Uncertain significance for Rhabdoid tumor predisposition syndrome 2. Last evaluated: 2025-05-07. Review status: criteria provided, single submitter. Criteria: Invitae Variant Classification Sherloc (09022015). Collection method: clinical testing. Allele origin: germline.
Comment: This sequence change falls in intron 7 of the SMARCA4 gene. It does not directly change the encoded amino acid sequence of the SMARCA4 protein. It affects a nucleotide within the consensus splice site. This variant is not present in population databases (gnomAD no frequency). This variant has not been reported in the literature in individuals affected with SMARCA4-related conditions. ClinVar contains an entry for this variant (Variation ID: 2823884). Variants that disrupt the consensus splice site are a relatively common cause of aberrant splicing (PMID: 17576681, 9536098). Algorithms developed to predict the effect of sequence changes on RNA splicing suggest that this variant is not likely to affect RNA splicing. In summary, the available evidence is currently insufficient to determine the role of this variant in disease. Therefore, it has been classified as a Variant of Uncertain Significance.

Literature cited by the submitters: PubMed 17576681 (cited by Labcorp Genetics (formerly Invitae), Labcorp); PubMed 9536098 (cited by Labcorp Genetics (formerly Invitae), Labcorp).